The following is an entry in ClinVar:

ClinVar aggregate classification (germline): Uncertain significance (1 of 4 stars; one submission).

Conditions:
Werner syndrome (WRN). Identifiers: Orphanet 902, MedGen C0043119, MONDO:0010196, OMIM 277700.

Submission:

Labcorp Genetics (formerly Invitae), Labcorp
Classification: Uncertain significance for Werner syndrome. Last evaluated: 2023-04-19. Review status: criteria provided, single submitter. Criteria: Invitae Variant Classification Sherloc (09022015). Collection method: clinical testing. Allele origin: germline.
Comment: In summary, the available evidence is currently insufficient to determine the role of this variant in disease. Therefore, it has been classified as a Variant of Uncertain Significance. An algorithm developed to predict the effect of missense changes on protein structure and function (PolyPhen-2) suggests that this variant is likely to be disruptive. This variant has not been reported in the literature in individuals affected with WRN-related conditions. This variant is not present in population databases (gnomAD no frequency). This sequence change replaces lysine, which is basic and polar, with glutamic acid, which is acidic and polar, at codon 1036 of the WRN protein (p.Lys1036Glu).

NM_000553.6(WRN):c.3106A>G (p.Lys1036Glu)

Gene: WRN (WRN RecQ like helicase; plus strand). Cytogenetic location: 8p12.
Variant type: single nucleotide variant.
Coding change: c.3106A>G on transcript NM_000553.6 (MANE Select); coding-DNA position 3106, A replaced by G.
Protein change: p.Lys1036Glu; replaces lysine 1036 with glutamic acid.
Molecular consequence: missense variant.
Genome position (GRCh38, 1-based): chr8:31,141,568, A>G. VCF-style: chr8-31141568-A-G. GRCh37 (hg19) VCF-style: chr8-30999084-A-G.
Other names: short protein forms K1036E.
Identifiers: ClinVar variation 2857548 (VCV002857548.3), dbSNP rs2536030417, ClinGen allele CA370922392.